The following is an entry in ClinVar:

ClinVar aggregate classification (germline): Uncertain significance (1 of 4 stars; one submission).

gnomAD v4.1: 6 of 1,540,538 alleles (0.00039%); highest among the groups gnomAD compares: East Asian, 0.0073%; no homozygotes.

Submission:

Labcorp Genetics (formerly Invitae), Labcorp
Classification: Uncertain significance. Last evaluated: 2022-03-12. Review status: criteria provided, single submitter. Criteria: Invitae Variant Classification Sherloc (09022015). Collection method: clinical testing. Allele origin: germline.
Comment: In summary, the available evidence is currently insufficient to determine the role of this variant in disease. Therefore, it has been classified as a Variant of Uncertain Significance. This sequence change replaces glutamic acid, which is acidic and polar, with lysine, which is basic and polar, at codon 103 of the CHD8 protein (p.Glu103Lys). This variant is not present in population databases (gnomAD no frequency). This variant has not been reported in the literature in individuals affected with CHD8-related conditions. Algorithms developed to predict the effect of missense changes on protein structure and function (SIFT, PolyPhen-2, Align-GVGD) all suggest that this variant is likely to be tolerated.

NM_001170629.2(CHD8):c.307G>A (p.Glu103Lys)

Gene: CHD8 (chromodomain helicase DNA binding protein 8; minus strand). Cytogenetic location: 14q11.2.
Variant type: single nucleotide variant.
Coding change: c.307G>A on transcript NM_001170629.2 (MANE Select); coding-DNA position 307, G replaced by A.
Protein change: p.Glu103Lys; replaces glutamic acid 103 with lysine.
Molecular consequence: missense variant. On other transcripts: intron variant (1).
Genome position (GRCh38, 1-based): chr14:21,431,337, C>T on the plus strand (G>A on the coding strand, the complement: CHD8 is on the minus strand). VCF-style: chr14-21431337-C-T. GRCh37 (hg19) VCF-style: chr14-21899496-C-T.
Other names: c.6+474G>A (NM_020920.4); short protein forms E103K.
Identifiers: ClinVar variation 1977181 (VCV001977181.5), dbSNP rs1348950904, ClinGen allele CA388889582.